The following is an entry in ClinVar:

ClinVar aggregate classification (germline): Pathogenic. Review status: criteria provided, multiple submitters, no conflicts (2 of 4 stars). 2 submissions from 2 submitters: Pathogenic (2). Last evaluated 2024-05-29.

Conditions:
Lambdoidal craniosynostosis. Identifiers: MedGen C1833340, HP:0004443.
TWIST1-related craniosynostosis (CRS1). Also called: CRANIOSYNOSTOSIS 1. Identifiers: Orphanet 63440, MedGen C4551902, MONDO:0007399, OMIM 123100. Inheritance: Heterogenous inheritance pattern.

Submissions (2):

Labcorp Genetics (formerly Invitae), Labcorp
Classification: Pathogenic for TWIST1-related craniosynostosis. Last evaluated: 2024-05-29. Review status: criteria provided, single submitter. Criteria: Invitae Variant Classification Sherloc (09022015). Collection method: clinical testing. Allele origin: germline.
Comment: This sequence change creates a premature translational stop signal (p.Cys189*) in the ERF gene. While this is not anticipated to result in nonsense mediated decay, it is expected to disrupt the last 360 amino acid(s) of the ERF protein. This variant is not present in population databases (gnomAD no frequency). This variant has not been reported in the literature in individuals affected with ERF-related conditions. ClinVar contains an entry for this variant (Variation ID: 543070). This variant disrupts a region of the ERF protein in which other variant(s) (p.Gly299Argfs*9) have been determined to be pathogenic (PMID: 23354439). This suggests that this is a clinically significant region of the protein, and that variants that disrupt it are likely to be disease-causing. For these reasons, this variant has been classified as Pathogenic.

Institute of Human Genetics Munich, TUM University Hospital
Classification: Pathogenic for Craniosynostosis 4. Last evaluated: 2020-06-05. Review status: criteria provided, single submitter. Criteria: Classification criteria August 2017. Collection method: clinical testing. Allele origin: germline. Inheritance: Autosomal dominant inheritance. Affected: yes. Observed: 1 heterozygote.

Literature cited by the submitters: PubMed 23354439 (cited by Labcorp Genetics (formerly Invitae), Labcorp).

NM_006494.4(ERF):c.566_567del (p.Asp188_Cys189insTer)

Gene: ERF (ETS2 repressor factor; minus strand). Cytogenetic location: 19q13.2.
Variant type: Deletion.
Coding change: c.566_567del on transcript NM_006494.4 (MANE Select); coding-DNA positions 566 to 567, 2 bases deleted (GT; older notation c.566_567delGT).
Protein change: p.Asp188_Cys189insTer.
Molecular consequence: nonsense.
Genome position (GRCh38, 1-based): chr19:42,249,545-42,249,546, AC deleted on the plus strand (GT on the coding strand, the reverse complement: ERF is on the minus strand); deleting any 2 consecutive bases within chr19:42,249,545-42,249,547 gives the same sequence; the c. name uses the placement nearest the transcript's 3' end. VCF-style (leftmost placement, unchanged base first): chr19-42249544-TAC-T. GRCh37 (hg19) VCF-style: chr19-42753696-TAC-T.
Other names: c.341_342del, p.Asp113_Cys114insTer (NM_001301035.2, NM_001308402.2, NM_001312656.2).
Identifiers: ClinVar variation 543070 (VCV000543070.12), dbSNP rs1555750816, ClinGen allele CA658799234.